The following is an entry in ClinVar:

ClinVar aggregate classification (germline): Conflicting classifications of pathogenicity. Review status: criteria provided, conflicting classifications (1 of 4 stars). 4 submissions from 4 submitters: Uncertain significance (3); Likely benign (1). Last evaluated 2024-09-08.

Conditions:
Hereditary breast ovarian cancer syndrome. Also called: Hereditary breast and ovarian cancer syndrome; BRCA1- and BRCA2-Associated Hereditary Breast and Ovarian Cancer; Hereditary breast and ovarian cancer; Hereditary breast and ovarian cancer syndrome (HBOC); Breast and ovarian cancer; Hereditary breast and/or ovarian cancer syndrome. Identifiers: Orphanet 145, MedGen C0677776, MeSH D061325, MONDO:0003582. Disease mechanism: loss of function.
Hereditary cancer-predisposing syndrome. Also called: Neoplastic Syndromes, Hereditary; Tumor predisposition; Hereditary Cancer Syndrome; Hereditary neoplastic syndrome. Identifiers: Orphanet 140162, MedGen C0027672, MeSH D009386, MONDO:0015356.

Allele frequency attached by ClinVar (database versions not stated): gnomAD exomes below 0.00001; TOPMed 0.00001; ESP Exome Variant Server 0.00008.
gnomAD v4.1: 1 of 1,591,718 alleles (0.000063%); highest among the groups gnomAD compares: African/African-American, 0.0014%; no homozygotes.

Submissions (4):

Labcorp Genetics (formerly Invitae), Labcorp
Classification: Uncertain significance for Hereditary breast ovarian cancer syndrome. Last evaluated: 2024-09-08. Review status: criteria provided, single submitter. Criteria: Invitae Variant Classification Sherloc (09022015). Collection method: clinical testing. Allele origin: germline.
Comment: This sequence change replaces threonine, which is neutral and polar, with isoleucine, which is neutral and non-polar, at codon 1673 of the BRCA2 protein (p.Thr1673Ile). This variant is not present in population databases (gnomAD no frequency). This variant has not been reported in the literature in individuals affected with BRCA2-related conditions. ClinVar contains an entry for this variant (Variation ID: 925927). Invitae Evidence Modeling of protein sequence and biophysical properties (such as structural, functional, and spatial information, amino acid conservation, physicochemical variation, residue mobility, and thermodynamic stability) indicates that this missense variant is not expected to disrupt BRCA2 protein function with a negative predictive value of 95%. In summary, the available evidence is currently insufficient to determine the role of this variant in disease. Therefore, it has been classified as a Variant of Uncertain Significance.

University of Washington Department of Laboratory Medicine, University of Washington
Classification: Likely benign for Hereditary cancer-predisposing syndrome. Last evaluated: 2023-03-23. Review status: criteria provided, single submitter. Criteria: Dines et al. (Genet Med. 2020). Collection method: curation. Allele origin: germline.
Comment: Missense variant in a coldspot region where missense variants are very unlikely to be pathogenic (PMID:31911673).

BRCA2 exon 11 coldspot. Reclassification based on statistical prior probability.

Ambry Genetics
Classification: Uncertain significance for Hereditary cancer-predisposing syndrome. Last evaluated: 2021-07-27. Review status: criteria provided, single submitter. Criteria: Ambry Variant Classification Scheme 2023. Collection method: clinical testing. Allele origin: germline.
Comment: The p.T1673I variant (also known as c.5018C>T), located in coding exon 10 of the BRCA2 gene, results from a C to T substitution at nucleotide position 5018. The threonine at codon 1673 is replaced by isoleucine, an amino acid with similar properties. This amino acid position is well conserved in available vertebrate species. In addition, the in silico prediction for this alteration is inconclusive. Since supporting evidence is limited at this time, the clinical significance of this alteration remains unclear.

Color Diagnostics, LLC DBA Color Health
Classification: Uncertain significance for Hereditary cancer-predisposing syndrome. Last evaluated: 2019-12-16. Review status: criteria provided, single submitter. Criteria: ACMG Guidelines, 2015. Collection method: clinical testing. Allele origin: germline.
Comment: This missense variant replaces threonine with isoleucine at codon 1673 of the BRCA2 protein. Computational prediction suggests that this variant may not impact protein structure and function (internally defined REVEL score threshold <= 0.5, PMID: 27666373). Splice site prediction tools suggest that this variant may not impact RNA splicing. To our knowledge, functional studies have not been performed for this variant. This variant has not been reported in individuals affected with hereditary cancer in the literature. This variant has not been identified in the general population by the Genome Aggregation Database (gnomAD). The available evidence is insufficient to determine the role of this variant in disease conclusively. Therefore, this variant is classified as a Variant of Uncertain Significance.

NM_000059.4(BRCA2):c.5018C>T (p.Thr1673Ile)

Gene: BRCA2 (BRCA2 DNA repair associated; plus strand). Cytogenetic location: 13q13.1.
Variant type: single nucleotide variant.
Coding change: c.5018C>T on transcript NM_000059.4 (MANE Select); coding-DNA position 5018, C replaced by T.
Protein change: p.Thr1673Ile; replaces threonine 1673 with isoleucine.
Molecular consequence: missense variant.
Genome position (GRCh38, 1-based): chr13:32,339,373, C>T. VCF-style: chr13-32339373-C-T. GRCh37 (hg19) VCF-style: chr13-32913510-C-T.
Other names: short protein forms T1673I.
Identifiers: ClinVar variation 925927 (VCV000925927.15), dbSNP rs376249157, ClinGen allele CA247508871.